The following is an entry in ClinVar:

ClinVar aggregate classification (germline): Uncertain significance (1 of 4 stars; one submission).

Conditions:
Cardiovascular phenotype. Identifiers: MedGen CN230736.

Allele frequency attached by ClinVar (database versions not stated): gnomAD 0.00001; gnomAD exomes 0.00001; TOPMed 0.00001; ExAC 0.00002; 1000 Genomes Project 30x 0.00016; 1000 Genomes Project 0.00020.

Submission:

Ambry Genetics
Classification: Uncertain significance for Cardiovascular phenotype. Last evaluated: 2022-07-05. Review status: criteria provided, single submitter. Criteria: Ambry Variant Classification Scheme 2023. Collection method: clinical testing. Allele origin: germline.
Comment: The p.V628A variant (also known as c.1883T>C), located in coding exon 13 of the ABCA1 gene, results from a T to C substitution at nucleotide position 1883. The valine at codon 628 is replaced by alanine, an amino acid with similar properties. This amino acid position is conserved. In addition, this alteration is predicted to be deleterious by in silico analysis. Since supporting evidence is limited at this time, the clinical significance of this alteration remains unclear.

NM_005502.4(ABCA1):c.1883T>C (p.Val628Ala)

Gene: ABCA1 (ATP binding cassette subfamily A member 1; minus strand). Cytogenetic location: 9q31.1.
Variant type: single nucleotide variant.
Coding change: c.1883T>C on transcript NM_005502.4 (MANE Select); coding-DNA position 1883, T replaced by C.
Protein change: p.Val628Ala; replaces valine 628 with alanine.
Molecular consequence: missense variant.
Genome position (GRCh38, 1-based): chr9:104,830,934, A>G on the plus strand (T>C on the coding strand, the complement: ABCA1 is on the minus strand). VCF-style: chr9-104830934-A-G. GRCh37 (hg19) VCF-style: chr9-107593215-A-G.
Other names: short protein forms V628A.
Identifiers: ClinVar variation 1781938 (VCV001781938.2), dbSNP rs574002247, ClinGen allele CA5168889.